The following is an entry in ClinVar:

ClinVar aggregate classification (germline): Conflicting classifications of pathogenicity. Review status: criteria provided, conflicting classifications (1 of 4 stars). 2 submissions from 2 submitters: Uncertain significance (1); Likely benign (1). Last evaluated 2024-12-02.

Conditions:
Leber congenital amaurosis 6 (LCA6). Identifiers: Orphanet 65, MedGen C1854260, MONDO:0013446, OMIM 613826.
Cone-rod dystrophy 13 (CORD13). Identifiers: Orphanet 1872, MedGen C2750720, MONDO:0011987, OMIM 608194.

Allele frequency attached by ClinVar (database versions not stated): gnomAD 0.00001; gnomAD exomes 0.00001; TOPMed 0.00001.
gnomAD v4.1: 21 of 1,613,790 alleles (0.0013%); highest among the groups gnomAD compares: Middle Eastern, 0.016%; no homozygotes.

Submissions (2):

Labcorp Genetics (formerly Invitae), Labcorp
Classification: Uncertain significance for Leber congenital amaurosis 6; Cone-rod dystrophy 13. Last evaluated: 2024-12-02. Review status: criteria provided, single submitter. Criteria: Invitae Variant Classification Sherloc (09022015). Collection method: clinical testing. Allele origin: germline.
Comment: This sequence change replaces leucine, which is neutral and non-polar, with phenylalanine, which is neutral and non-polar, at codon 482 of the RPGRIP1 protein (p.Leu482Phe). This variant is present in population databases (rs200541068, gnomAD 0.002%). This variant has not been reported in the literature in individuals affected with RPGRIP1-related conditions. ClinVar contains an entry for this variant (Variation ID: 1419338). Invitae Evidence Modeling of protein sequence and biophysical properties (such as structural, functional, and spatial information, amino acid conservation, physicochemical variation, residue mobility, and thermodynamic stability) indicates that this missense variant is not expected to disrupt RPGRIP1 protein function with a negative predictive value of 80%. In summary, the available evidence is currently insufficient to determine the role of this variant in disease. Therefore, it has been classified as a Variant of Uncertain Significance.

Blueprint Genetics
Classification: Likely benign. Last evaluated: 2024-04-09. Review status: criteria provided, single submitter. Criteria: ACMG Guidelines, 2015. Collection method: clinical testing. Allele origin: germline.

NM_020366.4(RPGRIP1):c.1446G>C (p.Leu482Phe)

Gene: RPGRIP1 (RPGR interacting protein 1; plus strand). Cytogenetic location: 14q11.2.
Variant type: single nucleotide variant.
Coding change: c.1446G>C on transcript NM_020366.4 (MANE Select); coding-DNA position 1446, G replaced by C.
Protein change: p.Leu482Phe; replaces leucine 482 with phenylalanine.
Molecular consequence: missense variant. On other transcripts: 5 prime UTR variant (1).
Genome position (GRCh38, 1-based): chr14:21,320,156, G>C. VCF-style: chr14-21320156-G-C. GRCh37 (hg19) VCF-style: chr14-21788315-G-C.
Other names: c.372G>C, p.Leu124Phe (NM_001377523.1, NM_001377948.1, NM_001377949.1 and 1 more transcripts); c.-127G>C (NM_001377951.1); short protein forms L482F, L124F.
Identifiers: ClinVar variation 1419338 (VCV001419338.8), dbSNP rs200541068, ClinGen allele CA257535588.